The following is an entry in ClinVar:

ClinVar aggregate classification (germline): Uncertain significance (1 of 4 stars; one submission).

Conditions:
Hereditary nonpolyposis colorectal neoplasms. Identifiers: MedGen C0009405, MeSH D003123.

Allele frequency attached by ClinVar (database versions not stated): gnomAD exomes below 0.00001.

Submission:

Labcorp Genetics (formerly Invitae), Labcorp
Classification: Uncertain significance for Hereditary nonpolyposis colorectal neoplasms. Last evaluated: 2023-09-21. Review status: criteria provided, single submitter. Criteria: Invitae Variant Classification Sherloc (09022015). Collection method: clinical testing. Allele origin: germline.
Comment: In summary, the available evidence is currently insufficient to determine the role of this variant in disease. Therefore, it has been classified as a Variant of Uncertain Significance. Advanced modeling of protein sequence and biophysical properties (such as structural, functional, and spatial information, amino acid conservation, physicochemical variation, residue mobility, and thermodynamic stability) has been performed at Invitae for this missense variant, however the output from this modeling did not meet the statistical confidence thresholds required to predict the impact of this variant on MSH6 protein function. This variant has not been reported in the literature in individuals affected with MSH6-related conditions. This variant is not present in population databases (gnomAD no frequency). This sequence change replaces isoleucine, which is neutral and non-polar, with methionine, which is neutral and non-polar, at codon 1227 of the MSH6 protein (p.Ile1227Met).

NM_000179.3(MSH6):c.3681A>G (p.Ile1227Met)

Gene: MSH6 (mutS homolog 6; plus strand). Cytogenetic location: 2p16.3.
Variant type: single nucleotide variant.
Coding change: c.3681A>G on transcript NM_000179.3 (MANE Select); coding-DNA position 3681, A replaced by G.
Protein change: p.Ile1227Met; replaces isoleucine 1227 with methionine.
Molecular consequence: missense variant. On other transcripts: non-coding transcript variant (5).
Genome position (GRCh38, 1-based): chr2:47,806,238, A>G. VCF-style: chr2-47806238-A-G. GRCh37 (hg19) VCF-style: chr2-48033377-A-G.
Other names: c.2775A>G, p.Ile925Met (NM_001406823.1, NM_001406829.1, NM_001281493.2 and 6 more transcripts); c.3384A>G, p.Ile1128Met (NM_001406824.1, NM_001406825.1, NM_001406827.1 and 10 more transcripts); c.3513A>G, p.Ile1171Met (NM_001406826.1); c.462A>G, p.Ile154Met (NM_001406831.1); c.528A>G, p.Ile176Met (NM_001406832.1); c.1626A>G, p.Ile542Met (NM_001407362.1); c.2115A>G, p.Ile705Met (NM_001406817.1); c.3291A>G, p.Ile1097Met (NM_001281492.2); and 7 more; short protein forms I1097M, I1171M, I939M, I1227M, I176M, I1201M, I542M, I925M.
Identifiers: ClinVar variation 2816645 (VCV002816645.3), dbSNP rs2104538573, ClinGen allele CA346760905.